The following is an entry in ClinVar:

ClinVar aggregate classification (germline): Uncertain significance (1 of 4 stars; one submission).

Submission:

Labcorp Genetics (formerly Invitae), Labcorp
Classification: Uncertain significance. Last evaluated: 2024-02-24. Review status: criteria provided, single submitter. Criteria: Invitae Variant Classification Sherloc (09022015). Collection method: clinical testing. Allele origin: germline.
Comment: This sequence change replaces threonine, which is neutral and polar, with isoleucine, which is neutral and non-polar, at codon 699 of the ABCA4 protein (p.Thr699Ile). This variant is not present in population databases (gnomAD no frequency). This variant has not been reported in the literature in individuals affected with ABCA4-related conditions. ClinVar contains an entry for this variant (Variation ID: 2079705). Advanced modeling of protein sequence and biophysical properties (such as structural, functional, and spatial information, amino acid conservation, physicochemical variation, residue mobility, and thermodynamic stability) performed at Invitae indicates that this missense variant is expected to disrupt ABCA4 protein function with a positive predictive value of 95%. In summary, the available evidence is currently insufficient to determine the role of this variant in disease. Therefore, it has been classified as a Variant of Uncertain Significance.

NM_000350.3(ABCA4):c.2096C>T (p.Thr699Ile)

Gene: ABCA4 (ATP binding cassette subfamily A member 4; minus strand). Cytogenetic location: 1p22.1.
Variant type: single nucleotide variant.
Coding change: c.2096C>T on transcript NM_000350.3 (MANE Select); coding-DNA position 2096, C replaced by T.
Protein change: p.Thr699Ile; replaces threonine 699 with isoleucine.
Molecular consequence: missense variant.
Genome position (GRCh38, 1-based): chr1:94,060,601, G>A on the plus strand (C>T on the coding strand, the complement: ABCA4 is on the minus strand). VCF-style: chr1-94060601-G-A. GRCh37 (hg19) VCF-style: chr1-94526157-G-A.
Other names: c.2096C>T, p.Thr699Ile (NM_001425324.1); short protein forms T699I.
Identifiers: ClinVar variation 2079705 (VCV002079705.4), dbSNP rs1057519142, ClinGen allele CA341278550.